The following is an entry in ClinVar:

ClinVar aggregate classification (germline): Conflicting classifications of pathogenicity. Review status: criteria provided, conflicting classifications (1 of 4 stars). 4 submissions from 4 submitters: Uncertain significance (3); Likely benign (1). Last evaluated 2025-06-08.

Conditions:
Developmental and epileptic encephalopathy, 14 (DEE14). Also called: Early infantile epileptic encephalopathy 14. Identifiers: Orphanet 293181, MedGen C3554195, MONDO:0013989, OMIM 614959.
Autosomal dominant nocturnal frontal lobe epilepsy 5. Also called: KCNT1-Related Epilepsy; CILIARY DYSKINESIA, PRIMARY, 28, WITHOUT SITUS INVERSUS; CILIARY DYSKINESIA, PRIMARY, 28, WITH SITUS INVERSUS; Epilepsy, nocturnal frontal lobe, 5. Identifiers: Orphanet 98784, MedGen C3554306, MONDO:0014002, OMIM 615005.
Hydrocephalus (HYC). Identifiers: MedGen C0020255, MONDO:0001150, HP:0000238.
Inborn genetic diseases. Identifiers: MedGen C0950123, MeSH D030342.

Allele frequency attached by ClinVar (database versions not stated): ExAC 0.00001; gnomAD exomes 0.00001; TOPMed 0.00001; gnomAD 0.00003.
gnomAD v4.1: 58 of 1,611,824 alleles (0.0036%); highest among the groups gnomAD compares: Non-Finnish European, 0.0047%; no homozygotes.

Submissions (4):

Labcorp Genetics (formerly Invitae), Labcorp
Classification: Likely benign for Autosomal dominant nocturnal frontal lobe epilepsy 5; Developmental and epileptic encephalopathy, 14. Last evaluated: 2025-06-08. Review status: criteria provided, single submitter. Criteria: Invitae Variant Classification Sherloc (09022015). Collection method: clinical testing. Allele origin: germline.

Ambry Genetics
Classification: Uncertain significance for Inborn genetic diseases. Last evaluated: 2021-08-16. Review status: criteria provided, single submitter. Criteria: Ambry Variant Classification Scheme 2023. Collection method: clinical testing. Allele origin: germline.

GeneDx
Classification: Uncertain significance. Last evaluated: 2017-08-17. Review status: criteria provided, single submitter. Criteria: GeneDx Variant Classification (06012015). Collection method: clinical testing. Allele origin: germline. Affected: yes.
Comment: The H469Q variant has not been published as a pathogenic variant, nor has it been reported as a benign variant to our knowledge. The H469Q variant is observed in 1/62228 (0.002%) alleles from individuals of European background (Lek et al., 2016; 1000 Genomes Consortium et al., 2015; Exome Variant Server). The H469Q variant is a semi-conservative amino acid substitution, which may impact secondary protein structure as these residues differ in some properties. This substitution occurs at a position that is conserved across species. In silico analysis is inconsistent in its predictions as to whether or not the variant is damaging to the protein structure/function. Therefore, based on the currently available information, it is unclear whether this variant is a pathogenic variant or a rare benign variant.

Clinical Molecular Genetics Laboratory, Johns Hopkins All Children's Hospital
Classification: Uncertain significance for Hydrocephalus. Last evaluated: 2017-05-25. Review status: criteria provided, single submitter. Criteria: ACMG Guidelines, 2015. Collection method: clinical testing. Allele origin: germline. Affected: yes.

NM_020822.3(KCNT1):c.1407C>G (p.His469Gln)

Gene: KCNT1 (potassium sodium-activated channel subfamily T member 1; plus strand). Cytogenetic location: 9q34.3.
Variant type: single nucleotide variant.
Coding change: c.1407C>G on transcript NM_020822.3 (MANE Select); coding-DNA position 1407, C replaced by G.
Protein change: p.His469Gln; replaces histidine 469 with glutamine.
Molecular consequence: missense variant.
Genome position (GRCh38, 1-based): chr9:135,768,834, C>G. VCF-style: chr9-135768834-C-G. GRCh37 (hg19) VCF-style: chr9-138660680-C-G.
Other names: c.1272C>G, p.His424Gln (NM_001272003.2); short protein forms H469Q, H424Q.
Identifiers: ClinVar variation 451447 (VCV000451447.12), dbSNP rs537722828, ClinGen allele CA5326900.
Genomic context (GRCh38, chr9:135,768,834, plus strand): 5'-CCAGCAGCCCACAGAGGCCAGCCCGTCTGCACTGACCAACCACCCACCCCGCCAGGACCA[C>G]CAGACCATCCTGCGCGCCTGGGCCGTGAAGGACTTCGCCCCCAACTGCCCCCTCTACGTC-3'
Protein context (NP_065873.2, residues 459-479): RNEVDRTAAD[His469Gln]QTILRAWAVK